The following is an entry in ClinVar:

ClinVar aggregate classification (germline): Uncertain significance. Review status: criteria provided, multiple submitters, no conflicts (2 of 4 stars). 2 submissions from 2 submitters: Uncertain significance (2). Last evaluated 2025-12-09.

Submissions (2):

Ambry Genetics
Classification: Uncertain significance. Last evaluated: 2025-12-09. Review status: criteria provided, single submitter. Criteria: Ambry Variant Classification Scheme 2023. Collection method: clinical testing. Allele origin: germline.

Labcorp Genetics (formerly Invitae), Labcorp
Classification: Uncertain significance. Last evaluated: 2024-10-17. Review status: criteria provided, single submitter. Criteria: Invitae Variant Classification Sherloc (09022015). Collection method: clinical testing. Allele origin: germline.
Comment: This sequence change replaces aspartic acid, which is acidic and polar, with glycine, which is neutral and non-polar, at codon 102 of the DRP2 protein (p.Asp102Gly). This variant is present in population databases (rs759605641, gnomAD 0.04%). This variant has not been reported in the literature in individuals affected with DRP2-related conditions. Invitae Evidence Modeling of protein sequence and biophysical properties (such as structural, functional, and spatial information, amino acid conservation, physicochemical variation, residue mobility, and thermodynamic stability) indicates that this missense variant is not expected to disrupt DRP2 protein function with a negative predictive value of 80%. In summary, the available evidence is currently insufficient to determine the role of this variant in disease. Therefore, it has been classified as a Variant of Uncertain Significance.

NM_001939.3(DRP2):c.305A>G (p.Asp102Gly)

Gene: DRP2 (dystrophin related protein 2; plus strand). Cytogenetic location: Xq22.1.
Variant type: single nucleotide variant.
Coding change: c.305A>G on transcript NM_001939.3 (MANE Select); coding-DNA position 305, A replaced by G.
Protein change: p.Asp102Gly; replaces aspartic acid 102 with glycine.
Molecular consequence: missense variant.
Genome position (GRCh38, 1-based): chrX:101,237,642, A>G. VCF-style: chrX-101237642-A-G. GRCh37 (hg19) VCF-style: chrX-100492631-A-G.
Other names: c.71A>G, p.Asp24Gly (NM_001171184.2); c.305A>G (NM_001939.2); short protein forms D102G, D24G.
Identifiers: ClinVar variation 3608054 (VCV003608054.3).